The following is an entry in ClinVar:

ClinVar aggregate classification (germline): Uncertain significance. Review status: criteria provided, multiple submitters, no conflicts (2 of 4 stars). 2 submissions from 2 submitters: Uncertain significance (2). Last evaluated 2025-10-01.

Conditions:
Charcot-Marie-Tooth disease type 2. Also called: Charcot-Marie-Tooth type 2. Identifiers: Orphanet 64746, MedGen C0270914, MONDO:0018993.

Allele frequency attached by ClinVar (database versions not stated): TOPMed below 0.00001; gnomAD exomes below 0.00001.
gnomAD v4.1: 1 of 1,610,584 alleles (0.000062%); highest among the groups gnomAD compares: Admixed American, 0.0017%; no homozygotes.

Submissions (2):

Labcorp Genetics (formerly Invitae), Labcorp
Classification: Uncertain significance for Charcot-Marie-Tooth disease type 2. Last evaluated: 2025-10-01. Review status: criteria provided, single submitter. Criteria: Invitae Variant Classification Sherloc (09022015). Collection method: clinical testing. Allele origin: germline.
Comment: This sequence change replaces serine, which is neutral and polar, with alanine, which is neutral and non-polar, at codon 139 of the KIF1B protein (p.Ser139Ala). This variant is present in population databases (no rsID available, gnomAD 0.003%). This variant has not been reported in the literature in individuals affected with KIF1B-related conditions. ClinVar contains an entry for this variant (Variation ID: 1738337). Invitae Evidence Modeling of protein sequence and biophysical properties (such as structural, functional, and spatial information, amino acid conservation, physicochemical variation, residue mobility, and thermodynamic stability) indicates that this missense variant is not expected to disrupt KIF1B protein function with a negative predictive value of 80%. In summary, the available evidence is currently insufficient to determine the role of this variant in disease. Therefore, it has been classified as a Variant of Uncertain Significance.

Ambry Genetics
Classification: Uncertain significance. Last evaluated: 2024-08-09. Review status: criteria provided, single submitter. Criteria: Ambry Variant Classification Scheme 2023. Collection method: clinical testing. Allele origin: germline.
Comment: The p.S139A variant (also known as c.415T>G), located in coding exon 4 of the KIF1B gene, results from a T to G substitution at nucleotide position 415. The serine at codon 139 is replaced by alanine, an amino acid with similar properties. This amino acid position is well conserved in available vertebrate species. In addition, the in silico prediction for this alteration is inconclusive. Since supporting evidence is limited at this time, the clinical significance of this alteration remains unclear.

NM_001365951.3(KIF1B):c.415T>G (p.Ser139Ala)

Genes: KIF1B (kinesin family member 1B; plus strand), LOC129388447 (MPRA-validated peak65 silencer; plus strand). Cytogenetic location: 1p36.22.
Variant type: single nucleotide variant.
Coding change: c.415T>G on transcript NM_001365951.3 (MANE Select); coding-DNA position 415, T replaced by G.
Protein change: p.Ser139Ala; replaces serine 139 with alanine.
Molecular consequence: missense variant.
Genome position (GRCh38, 1-based): chr1:10,261,956, T>G. VCF-style: chr1-10261956-T-G. GRCh37 (hg19) VCF-style: chr1-10322014-T-G.
Other names: c.415T>G, p.Ser139Ala (NM_001365952.1, NM_001365953.1, NM_015074.3 and 1 more transcripts); short protein forms S139A.
Identifiers: ClinVar variation 1738337 (VCV001738337.8), dbSNP rs1250670796, ClinGen allele CA338327160.